The following is an entry in ClinVar:

NM_003072.5(SMARCA4):c.4576G>C (p.Glu1526Gln)

Gene: SMARCA4 (SWI/SNF related BAF chromatin remodeling complex subunit ATPase 4; plus strand). Cytogenetic location: 19p13.2.
Variant type: single nucleotide variant.
Coding change: c.4576G>C on transcript NM_003072.5 (MANE Select); coding-DNA position 4576, G replaced by C.
Protein change: p.Glu1526Gln; replaces glutamic acid 1526 with glutamine.
Molecular consequence: missense variant. On other transcripts: non-coding transcript variant (1).
Genome position (GRCh38, 1-based): chr19:11,058,830, G>C. VCF-style: chr19-11058830-G-C. GRCh37 (hg19) VCF-style: chr19-11169506-G-C.
Other names: c.4477G>C, p.Glu1493Gln (NM_001128847.4, NM_001374457.1); c.4474G>C, p.Glu1492Gln (NM_001128848.2); c.4672G>C, p.Glu1558Gln (NM_001128849.3, NM_001387283.1); c.4573G>C, p.Glu1525Gln (NM_001411150.1); c.4576G>C, p.Glu1526Gln (NM_001128844.3); c.4486G>C, p.Glu1496Gln (NM_001128845.2); c.4483G>C, p.Glu1495Gln (NM_001128846.2); short protein forms E1493Q, E1496Q, E1526Q, E1492Q, E1495Q, E1525Q, E1558Q.
Identifiers: ClinVar variation 2070918 (VCV002070918.4), dbSNP rs2147097768, ClinGen allele CA404078860.

ClinVar aggregate classification (germline): Uncertain significance (1 of 4 stars; one submission).

Conditions:
Rhabdoid tumor predisposition syndrome 2 (RTPS2). Identifiers: Orphanet 231108, Orphanet 69077, MedGen C2750074, MONDO:0013224, OMIM 613325.

Submission:

Labcorp Genetics (formerly Invitae), Labcorp
Classification: Uncertain significance for Rhabdoid tumor predisposition syndrome 2. Last evaluated: 2022-01-02. Review status: criteria provided, single submitter. Criteria: Invitae Variant Classification Sherloc (09022015). Collection method: clinical testing. Allele origin: germline.
Comment: In summary, the available evidence is currently insufficient to determine the role of this variant in disease. Therefore, it has been classified as a Variant of Uncertain Significance. Algorithms developed to predict the effect of missense changes on protein structure and function (SIFT, PolyPhen-2, Align-GVGD) all suggest that this variant is likely to be disruptive. This variant has not been reported in the literature in individuals affected with SMARCA4-related conditions. This variant is not present in population databases (gnomAD no frequency). This sequence change replaces glutamic acid, which is acidic and polar, with glutamine, which is neutral and polar, at codon 1558 of the SMARCA4 protein (p.Glu1558Gln).